The following is an entry in ClinVar:

ClinVar aggregate classification (germline): Uncertain significance. Review status: criteria provided, multiple submitters, no conflicts (2 of 4 stars). 2 submissions from 2 submitters: Uncertain significance (2). Last evaluated 2025-06-25.

Conditions:
TH-deficient dopa-responsive dystonia. Also called: Tyrosine Hydroxylase-Deficient Dopa-Responsive Dystonia; Segawa syndrome, autosomal recessive; DYT-TH. Identifiers: Orphanet 101150, MedGen C2673535, MONDO:0011551, OMIM 605407.

Allele frequency attached by ClinVar (database versions not stated): gnomAD exomes 0.00007; 1000 Genomes Project 30x 0.00016; ExAC 0.00019; 1000 Genomes Project 0.00020.
gnomAD v4.1: 46 of 1,596,816 alleles (0.0029%); highest among the groups gnomAD compares: South Asian, 0.041%; no homozygotes.

Submissions (2):

Labcorp Genetics (formerly Invitae), Labcorp
Classification: Uncertain significance for TH-deficient dopa-responsive dystonia. Last evaluated: 2025-06-25. Review status: criteria provided, single submitter. Criteria: Invitae Variant Classification Sherloc (09022015). Collection method: clinical testing. Allele origin: germline.
Comment: This sequence change replaces arginine, which is basic and polar, with cysteine, which is neutral and slightly polar, at codon 373 of the TH protein (p.Arg373Cys). This variant is present in population databases (rs555810288, gnomAD 0.05%). This variant has not been reported in the literature in individuals affected with TH-related conditions. ClinVar contains an entry for this variant (Variation ID: 1358148). Invitae Evidence Modeling of protein sequence and biophysical properties (such as structural, functional, and spatial information, amino acid conservation, physicochemical variation, residue mobility, and thermodynamic stability) indicates that this missense variant is expected to disrupt TH protein function with a positive predictive value of 95%. In summary, the available evidence is currently insufficient to determine the role of this variant in disease. Therefore, it has been classified as a Variant of Uncertain Significance.

Fulgent Genetics
Classification: Uncertain significance for TH-deficient dopa-responsive dystonia. Last evaluated: 2021-07-02. Review status: criteria provided, single submitter. Criteria: ACMG Guidelines, 2015. Collection method: clinical testing. Allele origin: unknown.

NM_000360.4(TH):c.1024C>T (p.Arg342Cys)

Gene: TH (tyrosine hydroxylase; minus strand). Cytogenetic location: 11p15.5.
Variant type: single nucleotide variant.
Coding change: c.1024C>T on transcript NM_000360.4 (MANE Select); coding-DNA position 1024, C replaced by T.
Protein change: p.Arg342Cys; replaces arginine 342 with cysteine.
Molecular consequence: missense variant.
Genome position (GRCh38, 1-based): chr11:2,166,503, G>A on the plus strand (C>T on the coding strand, the complement: TH is on the minus strand). VCF-style: chr11-2166503-G-A. GRCh37 (hg19) VCF-style: chr11-2187733-G-A.
Other names: c.1117C>T, p.Arg373Cys (NM_199292.3); c.1105C>T, p.Arg369Cys (NM_199293.3); short protein forms R342C, R373C, R369C.
Identifiers: ClinVar variation 1358148 (VCV001358148.5), dbSNP rs555810288, ClinGen allele CA5818413.
Genomic context (GRCh38, chr11:2,166,503, plus strand): 5'-CTGGGTGACCCCGGCTCCCTCCGAGGCCGCGGCGTACCTGCGAGAACTGCGCGAAGGTGC[G>A]GTCGGCCAGCATGGGCACGTGCCCCAGCAGCTCGTGGCAGCAGTCCCTGCGCGTAGGAGG-3'
Protein context (NP_000351.2, residues 332-352): LLGHVPMLAD[Arg342Cys]TFAQFSQDIG